The following is an entry in ClinVar:

ClinVar aggregate classification (germline): Uncertain significance (0 of 4 stars; one submission).

Conditions:
Prostate cancer. Also called: Malignant tumor of prostate. Identifiers: Orphanet 1331, MedGen C0376358, MONDO:0008315, HP:0012125.

Submission:

Science for Life laboratory,  Karolinska Institutet
Classification: Uncertain significance for Malignant tumor of prostate. Review status: no assertion criteria provided. Collection method: not provided. Allele origin: somatic.
Comment: TumorID:SWE-16
ClinVar note: Converted during submission from Unknown to Uncertain significance.

NM_001127173.3(CADM3):c.382G>C (p.Gly128Arg)

Gene: CADM3 (cell adhesion molecule 3; plus strand). Cytogenetic location: 1q23.2.
Variant type: single nucleotide variant.
Coding change: c.382G>C on transcript NM_001127173.3 (MANE Select); coding-DNA position 382, G replaced by C.
Protein change: p.Gly128Arg; replaces glycine 128 with arginine.
Molecular consequence: missense variant.
Genome position (GRCh38, 1-based): chr1:159,192,730, G>C. VCF-style: chr1-159192730-G-C. GRCh37 (hg19) VCF-style: chr1-159162520-G-C.
Other names: c.382G>C, p.Gly128Arg (NM_001346510.2); c.484G>C, p.Gly162Arg (NM_021189.5); short protein forms G162R, G128R.
Identifiers: ClinVar variation 161748 (VCV000161748.2), dbSNP rs193920866, ClinGen allele CA174713.
Genomic context (GRCh38, chr1:159,192,730, plus strand): 5'-TACACCTGCTCAATCTTCACTATGCCTGTGCGAACTGCCAAGTCCCTCGTCACTGTGCTA[G>C]GTGAGACTCCCAAACCCCAGTGTCTCTACAGCATGCTTCCTTGCAAACAAACCTCCCTAG-3'
Protein context (NP_001120645.1, residues 118-138): RTAKSLVTVL[Gly128Arg]IPQKPIITGY